The following is an entry in ClinVar:

NM_001129.5(AEBP1):c.1719C>T (p.Leu573=)

Gene: AEBP1 (AE binding protein 1; plus strand). Cytogenetic location: 7p13.
Variant type: single nucleotide variant.
Coding change: c.1719C>T on transcript NM_001129.5 (MANE Select); coding-DNA position 1719, C replaced by T.
Protein change: p.Leu573=; no amino-acid change (leucine 573 retained).
Molecular consequence: synonymous variant.
Genome position (GRCh38, 1-based): chr7:44,111,509, C>T. VCF-style: chr7-44111509-C-T. GRCh37 (hg19) VCF-style: chr7-44151108-C-T.
Other names: p.Leu573=.
Identifiers: ClinVar variation 1526343 (VCV001526343.36), dbSNP rs150374163, ClinGen allele CA4237994.

ClinVar aggregate classification (germline): Benign/Likely benign. Review status: criteria provided, multiple submitters, no conflicts (2 of 4 stars). 6 submissions from 6 submitters: Benign (1); Likely benign (4). 1 of the submissions does not count toward it. Last evaluated 2026-02-01.

Conditions:
AEBP1-related disorder. Also called: AEBP1-related condition.

Allele frequency attached by ClinVar (database versions not stated): gnomAD exomes 0.00015 and 0.00035; ExAC 0.00043; 1000 Genomes Project 30x 0.00094; 1000 Genomes Project 0.00100; gnomAD 0.00159 and 0.00175; ESP Exome Variant Server 0.00169; TOPMed 0.00180.
gnomAD v4.1: 471 of 1,586,904 alleles (0.03%); highest among the groups gnomAD compares: African/African-American, 0.59%; 2 homozygotes.

Submissions (6):

Labcorp Genetics (formerly Invitae), Labcorp
Classification: Benign. Last evaluated: 2026-02-01. Review status: criteria provided, single submitter. Criteria: Invitae Variant Classification Sherloc (09022015). Collection method: clinical testing. Allele origin: germline.

Mayo Clinic Laboratories, Mayo Clinic
Classification: Likely benign. Last evaluated: 2024-11-04. Review status: criteria provided, single submitter. Criteria: ACMG Guidelines, 2015. Collection method: clinical testing. Allele origin: germline. Observed: 2 variant alleles.
Comment: BS1, BP4, BP7

CeGaT Center for Human Genetics Tuebingen
Classification: Likely benign. Last evaluated: 2022-12-01. Review status: criteria provided, single submitter. Criteria: CeGaT Center For Human Genetics Tuebingen Variant Classification Criteria Version 2. Collection method: clinical testing. Allele origin: germline. Affected: yes. Observed: 1 variant allele.
Comment: AEBP1: BP4, BP7

GeneDx
Classification: Likely benign. Last evaluated: 2021-09-23. Review status: criteria provided, single submitter. Criteria: GeneDx Variant Classification Process June 2021. Collection method: clinical testing. Allele origin: germline. Affected: yes.

Breakthrough Genomics
Classification: Likely benign. Review status: criteria provided, single submitter. Criteria: ACMG Guidelines, 2015. Collection method: not provided. Allele origin: germline. Inheritance: Autosomal recessive inheritance. Affected: yes.

PreventionGenetics, part of Exact Sciences
Classification: Likely benign for AEBP1-related condition. Last evaluated: 2019-04-01. Review status: no assertion criteria provided. Collection method: clinical testing. Allele origin: germline. Not counted in ClinVar's aggregate classification.
Comment: This variant is classified as likely benign based on ACMG/AMP sequence variant interpretation guidelines (Richards et al. 2015 PMID: 25741868, with internal and published modifications).